The following is an entry in ClinVar:

NM_001377265.1(MAPT):c.*1759T>C

Gene: MAPT (microtubule associated protein tau). Cytogenetic location: 17q21.31.
Variant type: single nucleotide variant.
Coding change: c.*1759T>C on transcript NM_001377265.1 (MANE Select); 1759 bases downstream of the stop codon, T replaced by C.
Molecular consequence: 3 prime UTR variant. On other transcripts: non-coding transcript variant (1).
Genome position (GRCh38, 1-based): chr17:46,025,930, T>C. VCF-style: chr17-46025930-T-C. GRCh37 (hg19) VCF-style: chr17-44103296-T-C.
Other names: c.*1759T>C (NM_001123066.4, NM_001123067.4, NM_001203251.2 and 7 more transcripts); c.*742T>C (NM_001377267.1).
Identifiers: ClinVar variation 323684 (VCV000323684.7), dbSNP rs7687, ClinGen allele CA10649470.

ClinVar aggregate classification (germline): Benign. Review status: criteria provided, multiple submitters, no conflicts (2 of 4 stars). 2 submissions from 2 submitters: Benign (2). Last evaluated 2018-01-13.

Conditions:
MAPT-Related Spectrum Disorders.

Allele frequency attached by ClinVar (database versions not stated): 1000 Genomes Project 30x 0.08542; 1000 Genomes Project 0.08646; gnomAD 0.14197 and 0.14487; TOPMed 0.14813; gnomAD exomes 0.15000.
gnomAD v4.1: 21,810 of 152,148 alleles (14%); highest among the groups gnomAD compares: Non-Finnish European, 22%; 2,129 homozygotes.

Submissions (2):

Illumina Laboratory Services, Illumina
Classification: Benign for MAPT-Related Spectrum Disorders. Last evaluated: 2018-01-13. Review status: criteria provided, single submitter. Criteria: ICSL Variant Classification Criteria 13 December 2019. Collection method: clinical testing. Allele origin: germline.
Comment: This variant was observed in the ICSL laboratory as part of a predisposition screen in an ostensibly healthy population. It had not been previously curated by ICSL or reported in the Human Gene Mutation Database (HGMD: prior to June 1st, 2018), and was therefore a candidate for classification through an automated scoring system. Utilizing variant allele frequency, disease prevalence and penetrance estimates, and inheritance mode, an automated score was calculated to assess if this variant is too frequent to cause the disease. Based on the score and internal cut-off values, a variant classified as benign is not then subjected to further curation. The score for this variant resulted in a classification of benign for this disease.

Breakthrough Genomics
Classification: Benign. Review status: criteria provided, single submitter. Criteria: ACMG Guidelines, 2015. Collection method: not provided. Allele origin: germline. Inheritance: Autosomal recessive inheritance. Affected: yes.